The following is an entry in ClinVar:

NM_000492.4(CFTR):c.2866G>A (p.Val956Ile)

Gene: CFTR (CF transmembrane conductance regulator; plus strand). Cytogenetic location: 7q31.2.
Variant type: single nucleotide variant.
Coding change: c.2866G>A on transcript NM_000492.4 (MANE Select); coding-DNA position 2866, G replaced by A.
Protein change: p.Val956Ile; replaces valine 956 with isoleucine.
Molecular consequence: missense variant.
Genome position (GRCh38, 1-based): chr7:117,603,740, G>A. VCF-style: chr7-117603740-G-A. GRCh37 (hg19) VCF-style: chr7-117243794-G-A.
Other names: short protein forms V956I.
Identifiers: ClinVar variation 3491705 (VCV003491705.2).

ClinVar aggregate classification (germline): Uncertain significance. Review status: criteria provided, single submitter (1 of 4 stars). 2 submissions from 2 submitters: Uncertain significance (1). 1 of the submissions does not count toward it. Last evaluated 2024-11-23.

Conditions:
Cystic fibrosis (CF). Also called: MUCOVISCIDOSIS. Identifiers: Orphanet 586, MedGen C0010674, MONDO:0009061, OMIM 219700. Disease mechanism: loss of function.
CFTR-related disorder (CFTR-RD). Also called: CFTR-related disorders; CFTR-related condition. Identifiers: MedGen C5924204, MONDO:7770004.

Submissions (2):

Ambry Genetics
Classification: Uncertain significance for Cystic fibrosis. Last evaluated: 2024-11-23. Review status: criteria provided, single submitter. Criteria: Ambry Variant Classification Scheme 2023. Collection method: clinical testing. Allele origin: germline.
Comment: The p.V956I variant (also known as c.2866G>A), located in coding exon 17 of the CFTR gene, results from a G to A substitution at nucleotide position 2866. The valine at codon 956 is replaced by isoleucine, an amino acid with highly similar properties. This amino acid position is conserved. In addition, the in silico prediction for this alteration is inconclusive. Based on the available evidence, the clinical significance of this variant remains unclear.

Natera, Inc.
Classification: Uncertain significance for CFTR-related disorders. Last evaluated: 2025-04-10. Review status: no assertion criteria provided. Collection method: clinical testing. Allele origin: germline. Not counted in ClinVar's aggregate classification.